The following is an entry in ClinVar:

ClinVar aggregate classification (germline): Uncertain significance (1 of 4 stars; one submission).

Submission:

Labcorp Genetics (formerly Invitae), Labcorp
Classification: Uncertain significance. Last evaluated: 2022-07-05. Review status: criteria provided, single submitter. Criteria: Invitae Variant Classification Sherloc (09022015). Collection method: clinical testing. Allele origin: germline.
Comment: In summary, the available evidence is currently insufficient to determine the role of this variant in disease. Therefore, it has been classified as a Variant of Uncertain Significance. This sequence change replaces proline, which is neutral and non-polar, with leucine, which is neutral and non-polar, at codon 3 of the SLC39A8 protein (p.Pro3Leu). This variant is not present in population databases (gnomAD no frequency). This variant has not been reported in the literature in individuals affected with SLC39A8-related conditions. Algorithms developed to predict the effect of missense changes on protein structure and function are either unavailable or do not agree on the potential impact of this missense change (SIFT: "Tolerated"; PolyPhen-2: "Not Available"; Align-GVGD: "Class C0").

NM_001135146.2(SLC39A8):c.8C>T (p.Pro3Leu)

Genes: SLC39A8 (solute carrier family 39 member 8; minus strand), LOC129992876 (ATAC-STARR-seq lymphoblastoid silent region 15595; plus strand). Cytogenetic location: 4q24.
Variant type: single nucleotide variant.
Coding change: c.8C>T on transcript NM_001135146.2 (MANE Select); coding-DNA position 8, C replaced by T.
Protein change: p.Pro3Leu; replaces proline 3 with leucine.
Molecular consequence: missense variant.
Genome position (GRCh38, 1-based): chr4:102,344,655, G>A on the plus strand (C>T on the coding strand, the complement: SLC39A8 is on the minus strand). VCF-style: chr4-102344655-G-A. GRCh37 (hg19) VCF-style: chr4-103265812-G-A.
Other names: c.8C>T, p.Pro3Leu (NM_001135147.1, NM_022154.5); short protein forms P3L.
Identifiers: ClinVar variation 2053189 (VCV002053189.4), dbSNP rs1417460382, ClinGen allele CA357957092.